The following is an entry in ClinVar:

NM_001130438.3(SPTAN1):c.6201G>T (p.Met2067Ile)

Gene: SPTAN1 (spectrin alpha, non-erythrocytic 1; plus strand). Cytogenetic location: 9q34.11.
Variant type: single nucleotide variant.
Coding change: c.6201G>T on transcript NM_001130438.3 (MANE Select); coding-DNA position 6201, G replaced by T.
Protein change: p.Met2067Ile; replaces methionine 2067 with isoleucine.
Molecular consequence: missense variant.
Genome position (GRCh38, 1-based): chr9:128,625,900, G>T. VCF-style: chr9-128625900-G-T. GRCh37 (hg19) VCF-style: chr9-131388179-G-T.
Other names: c.6126G>T, p.Met2042Ile (NM_001195532.2); c.6201G>T, p.Met2067Ile (NM_001363759.2, NM_001375310.1, NM_001375311.2 and 1 more transcripts); c.6141G>T, p.Met2047Ile (NM_001363765.2, NM_001375314.2); c.6237G>T, p.Met2079Ile (NM_001375312.2, NM_001375318.1); c.6186G>T, p.Met2062Ile (NM_003127.4); short protein forms M2079I, M2067I, M2042I, M2047I, M2062I.
Identifiers: ClinVar variation 1512151 (VCV001512151.9), dbSNP rs2131954418, ClinGen allele CA375087004.

ClinVar aggregate classification (germline): Uncertain significance (1 of 4 stars; one submission).

Conditions:
Early-infantile DEE. Also called: Early infantile epileptic encephalopathy; Ohtahara syndrome; Early infantile epileptic encephalopathy with suppression bursts. Identifiers: Orphanet 1934, MedGen C0393706, MONDO:0800491.

Submission:

Labcorp Genetics (formerly Invitae), Labcorp
Classification: Uncertain significance for Early-infantile DEE. Last evaluated: 2021-04-01. Review status: criteria provided, single submitter. Criteria: Invitae Variant Classification Sherloc (09022015). Collection method: clinical testing. Allele origin: germline.
Comment: In summary, the available evidence is currently insufficient to determine the role of this variant in disease. Therefore, it has been classified as a Variant of Uncertain Significance. Algorithms developed to predict the effect of missense changes on protein structure and function (SIFT, PolyPhen-2, Align-GVGD) all suggest that this variant is likely to be tolerated, but these predictions have not been confirmed by published functional studies and their clinical significance is uncertain. This variant has not been reported in the literature in individuals with SPTAN1-related conditions. This variant is not present in population databases (ExAC no frequency). This sequence change replaces methionine with isoleucine at codon 2067 of the SPTAN1 protein (p.Met2067Ile). The methionine residue is moderately conserved and there is a small physicochemical difference between methionine and isoleucine.